The following is an entry in ClinVar:

NM_003906.5(MCM3AP):c.4439T>C (p.Leu1480Ser)

Genes: MCM3AP (minichromosome maintenance complex component 3 associated protein; minus strand), MCM3AP-AS1 (MCM3AP antisense RNA 1; plus strand). Cytogenetic location: 21q22.3.
Variant type: single nucleotide variant.
Coding change: c.4439T>C on transcript NM_003906.5 (MANE Select); coding-DNA position 4439, T replaced by C.
Protein change: p.Leu1480Ser; replaces leucine 1480 with serine.
Molecular consequence: missense variant.
Genome position (GRCh38, 1-based): chr21:46,246,738, A>G on the plus strand (T>C on the coding strand, the complement: MCM3AP is on the minus strand). VCF-style: chr21-46246738-A-G. GRCh37 (hg19) VCF-style: chr21-47666652-A-G.
Other names: short protein forms L1480S.
Identifiers: ClinVar variation 2890599 (VCV002890599.1), dbSNP rs1411501042, ClinGen allele CA410545314.
Genomic context (GRCh38, chr21:46,246,738, plus strand): 5'-ACCACCAGAGGAAGCGCAGGCTGGAAGGGCTTAGCCTGCAGGAGCTGCTTGAGCTGCAGC[A>G]AGGCCGACAGCCAGTACACGTCCTCCTCTGCCATGTCCTCACTCTTCATTTTGGGGGGAA-3'
Protein context (NP_003897.2, residues 1470-1490): AEEDVYWLSA[Leu1480Ser]LQLKQLLQAK

ClinVar aggregate classification (germline): Uncertain significance (1 of 4 stars; one submission).

Allele frequency attached by ClinVar (database versions not stated): gnomAD exomes below 0.00001.

Submission:

Labcorp Genetics (formerly Invitae), Labcorp
Classification: Uncertain significance. Last evaluated: 2024-01-09. Review status: criteria provided, single submitter. Criteria: Invitae Variant Classification Sherloc (09022015). Collection method: clinical testing. Allele origin: germline.
Comment: This sequence change replaces leucine, which is neutral and non-polar, with serine, which is neutral and polar, at codon 1480 of the MCM3AP protein (p.Leu1480Ser). This variant is present in population databases (no rsID available, gnomAD 0.002%). This variant has not been reported in the literature in individuals affected with MCM3AP-related conditions. An algorithm developed to predict the effect of missense changes on protein structure and function (PolyPhen-2) suggests that this variant is likely to be disruptive. In summary, the available evidence is currently insufficient to determine the role of this variant in disease. Therefore, it has been classified as a Variant of Uncertain Significance.